The following is an entry in ClinVar:

ClinVar aggregate classification (germline): Uncertain significance. Review status: criteria provided, multiple submitters, no conflicts (2 of 4 stars). 4 submissions from 4 submitters: Uncertain significance (3). 1 of the submissions does not count toward it. Last evaluated 2025-05-06.

Conditions:
Autosomal recessive limb-girdle muscular dystrophy type 2A (LGMDR1). Also called: LEYDEN-MOEBIUS MUSCULAR DYSTROPHY; MUSCULAR DYSTROPHY, PELVOFEMORAL; Muscular dystrophy, limb-girdle, type 2A, Amish; Calpainopathy; Limb-girdle muscular dystrophy, type 2A. Identifiers: Orphanet 267, MedGen C1869123, MONDO:0009675, OMIM 253600. Disease mechanism: loss of function.

Allele frequency attached by ClinVar (database versions not stated): ExAC 0.00002; gnomAD exomes 0.00003 and 0.00004; gnomAD 0.00004 and 0.00005; TOPMed 0.00006; ESP Exome Variant Server 0.00015.
gnomAD v4.1: 46 of 1,279,320 alleles (0.0036%); highest among the groups gnomAD compares: African/African-American, 0.011%; no homozygotes.

Submissions (4):

Labcorp Genetics (formerly Invitae), Labcorp
Classification: Uncertain significance for Autosomal recessive limb-girdle muscular dystrophy type 2A. Last evaluated: 2025-05-06. Review status: criteria provided, single submitter. Criteria: Invitae Variant Classification Sherloc (09022015). Collection method: clinical testing. Allele origin: germline.
Comment: This sequence change replaces histidine, which is basic and polar, with tyrosine, which is neutral and polar, at codon 684 of the CAPN3 protein (p.His684Tyr). This variant is present in population databases (rs201566716, gnomAD 0.01%). This variant has not been reported in the literature in individuals affected with CAPN3-related conditions. ClinVar contains an entry for this variant (Variation ID: 286821). An algorithm developed to predict the effect of missense changes on protein structure and function (PolyPhen-2) suggests that this variant is likely to be tolerated. In summary, the available evidence is currently insufficient to determine the role of this variant in disease. Therefore, it has been classified as a Variant of Uncertain Significance.

Blueprint Genetics
Classification: Uncertain significance. Last evaluated: 2024-09-12. Review status: criteria provided, single submitter. Criteria: ACMG Guidelines, 2015. Collection method: clinical testing. Allele origin: germline.

Eurofins Ntd Llc (ga)
Classification: Uncertain significance. Last evaluated: 2016-03-17. Review status: criteria provided, single submitter. Criteria: EGL Classification Definitions 2015. Collection method: clinical testing. Allele origin: germline. Observed: 1 variant allele, 1 heterozygote.

Natera, Inc.
Classification: Uncertain significance for Limb-girdle muscular dystrophy type 2A. Last evaluated: 2019-10-28. Review status: no assertion criteria provided. Collection method: clinical testing. Allele origin: germline. Not counted in ClinVar's aggregate classification.

NM_000070.3(CAPN3):c.2050C>T (p.His684Tyr)

Gene: CAPN3 (calpain 3; plus strand). Cytogenetic location: 15q15.1.
Variant type: single nucleotide variant.
Coding change: c.2050C>T on transcript NM_000070.3 (MANE Select); coding-DNA position 2050, C replaced by T.
Protein change: p.His684Tyr; replaces histidine 684 with tyrosine.
Molecular consequence: missense variant.
Genome position (GRCh38, 1-based): chr15:42,409,844, C>T. VCF-style: chr15-42409844-C-T. GRCh37 (hg19) VCF-style: chr15-42702042-C-T.
Other names: c.2032C>T, p.His678Tyr (NM_024344.2); c.1774C>T, p.His592Tyr (NM_173087.2); c.514C>T, p.His172Tyr (NM_173088.2); c.55C>T, p.His19Tyr (NM_173089.2, NM_173090.2); short protein forms H684Y, H19Y, H172Y, H592Y, H678Y.
Identifiers: ClinVar variation 286821 (VCV000286821.12), dbSNP rs201566716, ClinGen allele CA7511670.